The following is an entry in ClinVar:

NM_000969.5(RPL5):c.325-14G>A

Genes: DIPK1A (divergent protein kinase domain 1A; minus strand), RPL5 (ribosomal protein L5; plus strand). Cytogenetic location: 1p22.1.
Variant type: single nucleotide variant.
Coding change: c.325-14G>A on transcript NM_000969.5 (MANE Select); 14 bases into the intron before coding-DNA position 325, G replaced by A.
Molecular consequence: intron variant.
Genome position (GRCh38, 1-based): chr1:92,836,176, G>A. VCF-style: chr1-92836176-G-A. GRCh37 (hg19) VCF-style: chr1-93301733-G-A.
Other names: c.475-3142C>T (NM_001252273.2).
Identifiers: ClinVar variation 2905794 (VCV002905794.4), dbSNP rs766274754, ClinGen allele CA952445.

ClinVar aggregate classification (germline): Uncertain significance. Review status: criteria provided, multiple submitters, no conflicts (2 of 4 stars). 2 submissions from 2 submitters: Uncertain significance (2). Last evaluated 2025-08-29.

Conditions:
Diamond-Blackfan anemia 6 (DBA6). Also called: RPL5-Related Diamond-Blackfan Anemia. Identifiers: Orphanet 124, MedGen C2931850, MONDO:0012937, OMIM 612561.
Diamond-Blackfan anemia. Also called: Blackfan Diamond syndrome; Aregenerative anemia chronic congenital; Red cell aplasia, pure hereditary; Congenital hypoplastic anemia; Aase syndrome. Identifiers: Orphanet 124, MedGen C1260899, MeSH D029503, MONDO:0015253, HP:0004810.

Allele frequency attached by ClinVar (database versions not stated): ExAC 0.00002; TOPMed 0.00001; gnomAD 0.00001.
gnomAD v4.1: 16 of 1,608,768 alleles (0.00099%); highest among the groups gnomAD compares: Admixed American, 0.018%; no homozygotes.

Submissions (2):

Labcorp Genetics (formerly Invitae), Labcorp
Classification: Uncertain significance for Diamond-Blackfan anemia. Last evaluated: 2025-08-29. Review status: criteria provided, single submitter. Criteria: Invitae Variant Classification Sherloc (09022015). Collection method: clinical testing. Allele origin: germline.
Comment: This sequence change falls in intron 4 of the RPL5 gene. It does not directly change the encoded amino acid sequence of the RPL5 protein. This variant is present in population databases (rs766274754, gnomAD 0.02%). This variant has not been reported in the literature in individuals affected with RPL5-related conditions. ClinVar contains an entry for this variant (Variation ID: 2905794). Algorithms developed to predict the effect of sequence changes on RNA splicing suggest that this variant may create or strengthen a splice site. In summary, the available evidence is currently insufficient to determine the role of this variant in disease. Therefore, it has been classified as a Variant of Uncertain Significance.

Fulgent Genetics
Classification: Uncertain significance for Diamond-Blackfan anemia 6. Last evaluated: 2024-06-21. Review status: criteria provided, single submitter. Criteria: ACMG Guidelines, 2015. Collection method: clinical testing. Allele origin: germline.